The following is an entry in ClinVar:

NM_003072.5(SMARCA4):c.1448C>T (p.Ala483Val)

Gene: SMARCA4 (SWI/SNF related BAF chromatin remodeling complex subunit ATPase 4; plus strand). Cytogenetic location: 19p13.2.
Variant type: single nucleotide variant.
Coding change: c.1448C>T on transcript NM_003072.5 (MANE Select); coding-DNA position 1448, C replaced by T.
Protein change: p.Ala483Val; replaces alanine 483 with valine.
Molecular consequence: missense variant. On other transcripts: non-coding transcript variant (1).
Genome position (GRCh38, 1-based): chr19:10,994,856, C>T. VCF-style: chr19-10994856-C-T. GRCh37 (hg19) VCF-style: chr19-11105532-C-T.
Other names: c.1448C>T (NM_001128849.1); c.1448C>T, p.Ala483Val (NM_001128844.3, NM_001128845.2, NM_001128846.2 and 6 more transcripts); short protein forms A483V.
Identifiers: ClinVar variation 2679007 (VCV002679007.4), dbSNP rs1600067706, ClinGen allele CA404062006.

ClinVar aggregate classification (germline): Uncertain significance. Review status: criteria provided, multiple submitters, no conflicts (2 of 4 stars). 4 submissions from 4 submitters: Uncertain significance (4). Last evaluated 2026-07-11.

Conditions:
Hereditary cancer-predisposing syndrome. Also called: Hereditary neoplastic syndrome; Hereditary Cancer Syndrome; Tumor predisposition; Neoplastic Syndromes, Hereditary. Identifiers: Orphanet 140162, MedGen C0027672, MeSH D009386, MONDO:0015356.
Rhabdoid tumor predisposition syndrome 2 (RTPS2). Identifiers: Orphanet 231108, Orphanet 69077, MedGen C2750074, MONDO:0013224, OMIM 613325.
SMARCA4-related disorder. Also called: SMARCA4-related condition.

Submissions (4):

PreventionGenetics, part of Exact Sciences
Classification: Uncertain significance for SMARCA4-related condition. Last evaluated: 2026-07-11. Review status: criteria provided, single submitter. Criteria: ACMG Guidelines, 2015. Collection method: clinical testing. Allele origin: germline.
Comment: The SMARCA4 c.1448C>T variant is predicted to result in the amino acid substitution p.Ala483Val. To our knowledge, this variant has not been reported in the literature or in a large population database (gnomAD), indicating this variant is rare. At this time, the clinical significance of this variant is uncertain due to the absence of conclusive functional and genetic evidence.

Ambry Genetics
Classification: Uncertain significance for Hereditary cancer-predisposing syndrome. Last evaluated: 2024-10-06. Review status: criteria provided, single submitter. Criteria: Ambry Variant Classification Scheme 2023. Collection method: clinical testing. Allele origin: germline.
Comment: The p.A483V variant (also known as c.1448C>T), located in coding exon 8 of the SMARCA4 gene, results from a C to T substitution at nucleotide position 1448. The alanine at codon 483 is replaced by valine, an amino acid with similar properties. This amino acid position is conserved. In addition, the in silico prediction for this alteration is inconclusive. Based on the available evidence, the clinical significance of this variant remains unclear.

GeneDx
Classification: Uncertain significance. Last evaluated: 2023-11-13. Review status: criteria provided, single submitter. Criteria: GeneDx Variant Classification Process June 2021. Collection method: clinical testing. Allele origin: germline. Affected: yes.
Comment: Not observed at significant frequency in large population cohorts (gnomAD); In silico analysis supports that this missense variant has a deleterious effect on protein structure/function; Has not been previously published as pathogenic or benign to our knowledge; This variant is associated with the following publications: (PMID: 24658002)

Baylor Genetics
Classification: Uncertain significance for Rhabdoid tumor predisposition syndrome 2. Last evaluated: 2023-08-31. Review status: criteria provided, single submitter. Criteria: ACMG Guidelines, 2015. Collection method: clinical testing. Allele origin: unknown.